The following is an entry in ClinVar:

NM_001267550.2(TTN):c.432_442del (p.Ile144_Gln145insTer)

Gene: TTN (titin; minus strand). Cytogenetic location: 2q31.2.
Variant type: Deletion.
Coding change: c.432_442del on transcript NM_001267550.2 (MANE Select); coding-DNA positions 432 to 442, 11 bases deleted (CCAGAGCTCCC).
Protein change: p.Ile144_Gln145insTer.
Molecular consequence: frameshift variant.
Genome position (GRCh38, 1-based): chr2:178,800,536-178,800,546, GGGAGCTCTGG deleted on the plus strand (CCAGAGCTCCC on the coding strand, the reverse complement: TTN is on the minus strand). VCF-style (leftmost placement, unchanged base first): chr2-178800535-AGGGAGCTCTGG-A. GRCh37 (hg19) VCF-style: chr2-179665262-AGGGAGCTCTGG-A.
Other names: c.432_442del, p.Ile144_Gln145insTer (NM_001256850.1, NM_003319.4, NM_133378.4 and 3 more transcripts).
Identifiers: ClinVar variation 2945337 (VCV002945337.3), dbSNP rs2534367305, ClinGen allele CA2740096313.

ClinVar aggregate classification (germline): Likely pathogenic (1 of 4 stars; one submission).

Conditions:
Dilated cardiomyopathy 1G (CMD1G). Identifiers: Orphanet 154, MedGen C1858763, MONDO:0011400, OMIM 604145.
Autosomal recessive limb-girdle muscular dystrophy type 2J (LGMDR10). Also called: Limb-girdle muscular dystrophy, type 2J; MUSCULAR DYSTROPHY, LIMB-GIRDLE, AUTOSOMAL RECESSIVE 10. Identifiers: Orphanet 140922, MedGen C1837342, MONDO:0012127, OMIM 608807.

Submission:

Labcorp Genetics (formerly Invitae), Labcorp
Classification: Likely pathogenic for Dilated cardiomyopathy 1G; Autosomal recessive limb-girdle muscular dystrophy type 2J. Last evaluated: 2024-10-28. Review status: criteria provided, single submitter. Criteria: Invitae Variant Classification Sherloc (09022015). Collection method: clinical testing. Allele origin: germline.
Comment: This sequence change creates a premature translational stop signal (p.Gln145*) in the TTN gene. While this is not anticipated to result in nonsense mediated decay, it is expected to create a truncated TTN protein. This variant is not present in population databases (gnomAD no frequency). This variant has not been reported in the literature in individuals affected with TTN-related conditions. This variant is located in the Z band of TTN (PMID: 25589632). Truncating variants in this region have been reported in individuals affected with autosomal recessive centronuclear myopathy (PMID: 33449170, internal data). Truncating variants in this region have also been identified in individuals affected with autosomal dominant dilated cardiomyopathy and/or cardio-related conditions (PMID: 27869827, 32964742, internal data). In summary, the currently available evidence indicates that the variant is pathogenic, but additional data are needed to prove that conclusively. Therefore, this variant has been classified as Likely Pathogenic.

Literature cited by the submitters: PubMed 25589632; PubMed 33449170; PubMed 27869827; PubMed 32964742.